The following is an entry in ClinVar:

NM_001002916.5(H2BW1):c.399T>C (p.Ala133=)

Gene: H2BW1 (H2B.W histone 1; minus strand). Cytogenetic location: Xq22.2.
Variant type: single nucleotide variant.
Coding change: c.399T>C on transcript NM_001002916.5 (MANE Select); coding-DNA position 399, T replaced by C.
Protein change: p.Ala133=; no amino-acid change (alanine 133 retained).
Molecular consequence: synonymous variant.
Genome position (GRCh38, 1-based): chrX:104,013,178, A>G on the plus strand (T>C on the coding strand, the complement: H2BW1 is on the minus strand). VCF-style: chrX-104013178-A-G. GRCh37 (hg19) VCF-style: chrX-103267750-A-G.
Identifiers: ClinVar variation 2661106 (VCV002661106.24), dbSNP rs2522528702, ClinGen allele CA517885814.

ClinVar aggregate classification (germline): Likely benign (1 of 4 stars; one submission).

Submission:

CeGaT Center for Human Genetics Tuebingen
Classification: Likely benign. Last evaluated: 2022-09-01. Review status: criteria provided, single submitter. Criteria: CeGaT Center For Human Genetics Tuebingen Variant Classification Criteria Version 2. Collection method: clinical testing. Allele origin: germline. Affected: yes. Observed: 1 variant allele.
Comment: H2BW1: PM2:Supporting, BP4, BP7